The following is an entry in ClinVar:

NM_001123385.2(BCOR):c.202_217dup (p.Asp73fs)

Gene: BCOR (BCL6 corepressor; minus strand). Cytogenetic location: Xp11.4.
Variant type: Duplication.
Coding change: c.202_217dup on transcript NM_001123385.2 (MANE Select); coding-DNA positions 202 to 217, 16 bases duplicated (GCAGCACTGAGCATGG).
Protein change: p.Asp73fs; shifts the reading frame from aspartic acid 73.
Molecular consequence: frameshift variant.
Genome position (GRCh38, 1-based): chrX:40,075,129-40,075,144, CCATGCTCAGTGCTGC duplicated on the plus strand (GCAGCACTGAGCATGG on the coding strand, the reverse complement: BCOR is on the minus strand); duplicating any 16 consecutive bases within chrX:40,075,129-40,075,145 gives the same sequence; the c. name uses the placement nearest the transcript's 3' end. VCF-style (leftmost placement, unchanged base first): chrX-40075128-T-TCCATGCTCAGTGCTGC. GRCh37 (hg19) VCF-style: chrX-39934381-T-TCCATGCTCAGTGCTGC.
Other names: c.202_217dup, p.Asp73fs (NM_001123383.2, NM_001123384.2, NM_001437510.1 and 4 more transcripts); c.202_217dup16 (NM_001123383.1); short protein forms D73fs.
Identifiers: ClinVar variation 4998854 (VCV004998854.1).
Genomic context (GRCh38, chrX:40,075,128, plus strand): 5'-AAGCTAGAATAGACGATGTTTCCCGGGACCCGCAGCCCTTCCCGGATCAGGCCAGTGCGG[T>TCCATGCTCAGTGCTGC]CCATGCTCAGTGCTGCCAGGCCATCGATCCTATGGGCCGTGCTCGCATCCACCTTTGCAG-3'

ClinVar aggregate classification (germline): Likely pathogenic (1 of 4 stars; one submission).

Conditions:
BCOR-related disorder. Also called: BCOR-related disorders; BCOR-related condition.

Submission:

PreventionGenetics, part of Exact Sciences
Classification: Likely pathogenic for BCOR-related condition. Last evaluated: 2025-04-26. Review status: criteria provided, single submitter. Criteria: ACMG Guidelines, 2015. Collection method: clinical testing. Allele origin: germline.
Comment: The BCOR c.202_217dup16 variant is predicted to result in a frameshift and premature protein termination (p.Asp73Glyfs*25). To our knowledge, this variant has not been reported in the literature or in a large population database (gnomAD), indicating this variant is rare. Frameshift variants in BCOR are expected to be pathogenic. This variant is interpreted as likely pathogenic.